The following is an entry in ClinVar:

ClinVar aggregate classification (germline): Likely benign (1 of 4 stars; one submission).

Allele frequency attached by ClinVar (database versions not stated): TOPMed 0.00009; gnomAD 0.00013; 1000 Genomes Project 30x 0.00031; 1000 Genomes Project 0.00040.
gnomAD v4.1: 20 of 152,076 alleles (0.013%); highest among the groups gnomAD compares: Middle Eastern, 0.68%; no homozygotes.

Submission:

CeGaT Center for Human Genetics Tuebingen
Classification: Likely benign. Last evaluated: 2024-07-01. Review status: criteria provided, single submitter. Criteria: CeGaT Center For Human Genetics Tuebingen Variant Classification Criteria Version 2. Collection method: clinical testing. Allele origin: germline. Affected: yes. Observed: 2 variant alleles.
Comment: SPECC1L: BP4, BP7

NM_015330.6(SPECC1L):c.154-1314C>T

Genes: SPECC1L-ADORA2A (SPECC1L-ADORA2A readthrough (NMD candidate); plus strand), SPECC1L (sperm antigen with calponin homology and coiled-coil domains 1 like; plus strand). Cytogenetic location: 22q11.23.
Variant type: single nucleotide variant.
Coding change: c.154-1314C>T on transcript NM_015330.6 (MANE Select); 1314 bases into the intron before coding-DNA position 154, C replaced by T.
Molecular consequence: intron variant.
Genome position (GRCh38, 1-based): chr22:24,311,999, C>T. VCF-style: chr22-24311999-C-T. GRCh37 (hg19) VCF-style: chr22-24707967-C-T.
Other names: c.154-1314C>T (NM_001145468.4, NM_001254732.3).
Identifiers: ClinVar variation 3250830 (VCV003250830.18), dbSNP rs188930206.